The following is an entry in ClinVar:

ClinVar aggregate classification (germline): Uncertain significance. Review status: criteria provided, multiple submitters, no conflicts (2 of 4 stars). 2 submissions from 2 submitters: Uncertain significance (2). Last evaluated 2024-04-06.

Conditions:
Nephronophthisis. Also called: Juvenile Nephronophthisis. Identifiers: Orphanet 655, MedGen C0687120, MONDO:0019005, HP:0000090.

Allele frequency attached by ClinVar (database versions not stated): gnomAD below 0.00001 and 0.00001; gnomAD exomes 0.00002 and 0.00005; TOPMed 0.00002; ExAC 0.00005; ESP Exome Variant Server 0.00008.

Submissions (2):

Labcorp Genetics (formerly Invitae), Labcorp
Classification: Uncertain significance for Nephronophthisis. Last evaluated: 2024-04-06. Review status: criteria provided, single submitter. Criteria: Invitae Variant Classification Sherloc (09022015). Collection method: clinical testing. Allele origin: germline.
Comment: This sequence change replaces methionine, which is neutral and non-polar, with threonine, which is neutral and polar, at codon 137 of the INVS protein (p.Met137Thr). This variant is present in population databases (rs375209595, gnomAD 0.02%). This variant has not been reported in the literature in individuals affected with INVS-related conditions. ClinVar contains an entry for this variant (Variation ID: 1035918). An algorithm developed to predict the effect of missense changes on protein structure and function (PolyPhen-2) suggests that this variant is likely to be tolerated. In summary, the available evidence is currently insufficient to determine the role of this variant in disease. Therefore, it has been classified as a Variant of Uncertain Significance.

Breakthrough Genomics
Classification: Uncertain significance. Review status: criteria provided, single submitter. Criteria: ACMG Guidelines, 2015. Collection method: not provided. Allele origin: germline. Inheritance: Autosomal recessive inheritance. Affected: yes.

NM_014425.5(INVS):c.410T>C (p.Met137Thr)

Gene: INVS (inversin; plus strand). Cytogenetic location: 9q31.1.
Variant type: single nucleotide variant.
Coding change: c.410T>C on transcript NM_014425.5 (MANE Select); coding-DNA position 410, T replaced by C.
Protein change: p.Met137Thr; replaces methionine 137 with threonine.
Molecular consequence: missense variant. On other transcripts: 5 prime UTR variant (1), non-coding transcript variant (1).
Genome position (GRCh38, 1-based): chr9:100,226,198, T>C. VCF-style: chr9-100226198-T-C. GRCh37 (hg19) VCF-style: chr9-102988480-T-C.
Other names: c.122T>C, p.Met41Thr (NM_001318381.2); c.-580T>C (NM_001318382.2); short protein forms M137T, M41T.
Identifiers: ClinVar variation 1035918 (VCV001035918.8), dbSNP rs375209595, ClinGen allele CA5158155.
Genomic context (GRCh38, chr9:100,226,198, plus strand): 5'-CTTTGCACTTGACCACCCGGCACAGGAGCCCTAAGTGTTTGGCACTTCTGCTGAAGTTTA[T>C]GGCACCAGGAGAAGTGGATACACAGGATAAAAACAAGGTAATGGATACTCAAAATCAAAG-3'
Protein context (NP_055240.2, residues 127-147): PKCLALLLKF[Met137Thr]APGEVDTQDK